The following is an entry in ClinVar:

ClinVar aggregate classification (germline): Benign. Review status: reviewed by expert panel (3 of 4 stars). 8 submissions from 8 submitters: Benign (1). 7 of the submissions do not count toward it. Last evaluated 2024-08-01.

Conditions:
Monogenic diabetes. Identifiers: Orphanet 183625, MedGen C3888631, MONDO:0015967.
HNF1A-related disorder. Also called: HNF1A-related condition.
Maturity-onset diabetes of the young type 3. Also called: MODY type 3; MODY, type III. Identifiers: Orphanet 552, MedGen C1838100, MeSH C563933, MONDO:0010894, OMIM 600496. Disease mechanism: loss of function.

Allele frequency attached by ClinVar (database versions not stated): gnomAD 0.00006; ESP Exome Variant Server 0.00008; ExAC 0.00014; TOPMed 0.00015; 1000 Genomes Project 30x 0.00031; 1000 Genomes Project 0.00040.

Submissions (8):

ClinGen Monogenic Diabetes Variant Curation Expert Panel
Classification: Benign for Monogenic diabetes. Last evaluated: 2024-08-01. Review status: reviewed by expert panel. Criteria: ClinGen Diabetes ACMG Specifications HNF1A V2.1.0. Collection method: curation. Allele origin: germline. Inheritance: Autosomal dominant inheritance.
Comment: The c.1529C>G variant in the e.g. HNF1 homeobox A gene, HNF1A, causes an amino acid change of histidine to asparagine at codon 577 (p.(His577Asp)) of NM_000545.8. This variant has a REVEL score of 0.531, which is between the ClinGen MDEP thresholds for BP4 and PP3, predicting neither a damaging nor benign impact on HNF1A function. This variant has a Popmax Filtering allele frequency in gnomAD 2.1.1 of 0.0001310, which is greater than the MDEP threshold for BA1 (≥0.0001) (BA1). This variant was identified in 10 unrelated individuals with non-autoimmune and non-absolute/near-absolute insulin-deficient diabetes; however, PS4 cannot be applied because the variant MAF in gnomAD is above the ClinGen MDEP PM2_Supporting cutoff (PMID: 31968686, internal lab contributors). Additionally, this variant segregated with diabetes, with 3 informative meioses in 1 family (PP1; PMID:31968686). In summary, c.1729C>G meets the criteria to be classified as benign for monogenic diabetes. ACMG/AMP criteria applied, as specified by the ClinGen MDEP (specification version 2.1.0, approved 8/11/2024): BA1, PP1.

Labcorp Genetics (formerly Invitae), Labcorp
Classification: Likely benign. Last evaluated: 2026-01-10. Review status: criteria provided, single submitter. Criteria: Invitae Variant Classification Sherloc (09022015). Collection method: clinical testing. Allele origin: germline. Not counted in ClinVar's aggregate classification.

ARUP Laboratories, Molecular Genetics and Genomics, ARUP Laboratories
Classification: Benign. Last evaluated: 2025-07-01. Review status: criteria provided, single submitter. Criteria: ARUP Molecular Germline Variant Investigation Process 2024. Collection method: clinical testing. Allele origin: germline. Not counted in ClinVar's aggregate classification.

Women's Health and Genetics/Laboratory Corporation of America, LabCorp
Classification: Likely benign. Last evaluated: 2023-06-22. Review status: criteria provided, single submitter. Criteria: LabCorp Variant Classification Summary - May 2015. Collection method: clinical testing. Allele origin: germline. Not counted in ClinVar's aggregate classification.
Comment: Variant summary: HNF1A c.1729C>G (p.His577Asp) results in a non-conservative amino acid change located in the C-terminal domain (IPR006898) of the encoded protein sequence. Three of five in-silico tools predict a damaging effect of the variant on protein function. The variant allele was found at a frequency of 0.00015 in 241518 control chromosomes (gnomAD). The observed variant frequency is approximately 6-fold of the estimated maximal expected allele frequency for a pathogenic variant in HNF1A causing Maturity Onset Diabetes Of The Young 3 phenotype (2.5e-05), strongly suggesting that the variant is benign. c.1729C>G has been reported in the literature in individuals suspected of Maturity Onset Diabetes Of The Young 3, however it has also been reported to not segregate with disease within at least one family and has been observed in at least one control individual (e.g. Lambert_2003, McDonald_2011, Alvelos_2020). Therefore, these data do not allow any conclusion about variant significance. At least one publication reports experimental evidence evaluating an impact on protein function and found the variant localizes to the nucleus and results in approximately 70% transcriptional activity compared to the WT protein, within the range of previously established polymorphisms that were used as controls (Najmi_2017). The following publications have been ascertained in the context of this evaluation (PMID: 21395678, 31968686, 32041611, 12547858, 27899486). Three submitters have cited clinical-significance assessments for this variant to ClinVar after 2014 and classified the variant as either likely benign (n=2) or VUS (n=1). Based on the evidence outlined above, the variant was classified as likely benign.

GeneDx
Classification: Likely benign. Last evaluated: 2020-02-13. Review status: criteria provided, single submitter. Criteria: GeneDx Variant Classification Process June 2021. Collection method: clinical testing. Allele origin: germline. Affected: yes. Not counted in ClinVar's aggregate classification.
Comment: This variant is associated with the following publications: (PMID: 32041611, 31411171, 31968686, 21395678, 27899486)

Illumina Laboratory Services, Illumina
Classification: Uncertain significance for Maturity-onset diabetes of the young type 3. Last evaluated: 2018-01-13. Review status: criteria provided, single submitter. Criteria: ICSL Variant Classification Criteria 13 December 2019. Collection method: clinical testing. Allele origin: germline. Not counted in ClinVar's aggregate classification.

PreventionGenetics, part of Exact Sciences
Classification: Likely benign for HNF1A-related condition. Last evaluated: 2024-05-08. Review status: no assertion criteria provided. Collection method: clinical testing. Allele origin: germline. Not counted in ClinVar's aggregate classification.
Comment: This variant is classified as likely benign based on ACMG/AMP sequence variant interpretation guidelines (Richards et al. 2015 PMID: 25741868, with internal and published modifications).

ITMI
No classification provided. Condition: AllHighlyPenetrant. Last evaluated: 2013-09-19. Review status: no classification provided. Collection method: reference population. Allele origin: germline. Not counted in ClinVar's aggregate classification.
Comment: Please see associated publication for description of ethnicities

Literature cited by the submitters: PubMed 12547858 (cited by Women's Health and Genetics/Laboratory Corporation of America, LabCorp); PubMed 21395678 (cited by Women's Health and Genetics/Laboratory Corporation of America, LabCorp); PubMed 27899486 (cited by Women's Health and Genetics/Laboratory Corporation of America, LabCorp); PubMed 32041611 (cited by Women's Health and Genetics/Laboratory Corporation of America, LabCorp); PubMed 31968686 (cited by Women's Health and Genetics/Laboratory Corporation of America, LabCorp); PubMed 24728327 (cited by ITMI).

NM_000545.8(HNF1A):c.1729C>G (p.His577Asp)

Gene: HNF1A (HNF1 homeobox A; plus strand). Cytogenetic location: 12q24.31.
Variant type: single nucleotide variant.
Coding change: c.1729C>G on transcript NM_000545.8 (MANE Select); coding-DNA position 1729, C replaced by G.
Protein change: p.His577Asp; replaces histidine 577 with aspartic acid.
Molecular consequence: missense variant.
Genome position (GRCh38, 1-based): chr12:120,999,588, C>G. VCF-style: chr12-120999588-C-G. GRCh37 (hg19) VCF-style: chr12-121437391-C-G.
Other names: NM_000545.8(HNF1A):c.1729C>G; p.His577Asp; c.1729C>G (NM_000545.6); c.1750C>G, p.His584Asp (NM_001306179.2); short protein forms H577D, H584D.
Identifiers: ClinVar variation 134512 (VCV000134512.18), dbSNP rs376832928, ClinGen allele CA6832161.
Genomic context (GRCh38, chr12:120,999,588, plus strand): 5'-ACGCCGGCATCTCAGGCCACCACCCTCCACGTCCCCAGCCAGGACCCTGCCAGCATCCAG[C>G]ACCTGCAGCCGGCCCACCGGCTCAGCGCCAGCCCCACAGGTGAGAGGCCCTGGCTCCACC-3'
Protein context (NP_000536.6, residues 567-587): VPSQDPASIQ[His577Asp]LQPAHRLSAS